The following is an entry in ClinVar:

ClinVar aggregate classification (germline): Conflicting classifications of pathogenicity. Review status: criteria provided, conflicting classifications (1 of 4 stars). 2 submissions from 2 submitters: Likely pathogenic (1); Uncertain significance (1). Last evaluated 2021-09-19.

Conditions:
Autosomal recessive limb-girdle muscular dystrophy type 2U. Also called: MUSCULAR DYSTROPHY, LIMB-GIRDLE, TYPE 2U; Muscular dystrophy-dystroglycanopathy (limb-girdle), type c, 7. Identifiers: Orphanet 352479, MedGen C5190987, MONDO:0014474, OMIM 616052.
Muscular dystrophy-dystroglycanopathy (congenital with brain and eye anomalies), type A, 7. Also called: WALKER-WARBURG SYNDROME OR MUSCLE-EYE-BRAIN DISEASE, ISPD-RELATED; Congenital muscular dystrophy-dystroglycanopathy with brain and eye anomalies, type A7. Identifiers: Orphanet 899, MedGen C3553330, MONDO:0013835, OMIM 614643.

Allele frequency attached by ClinVar (database versions not stated): gnomAD exomes 0.00001 and 0.00003; TOPMed 0.00002; gnomAD 0.00003.
gnomAD v4.1: 45 of 1,613,020 alleles (0.0028%); highest among the groups gnomAD compares: Non-Finnish European, 0.0036%; no homozygotes.

Submissions (2):

Labcorp Genetics (formerly Invitae), Labcorp
Classification: Uncertain significance for Muscular dystrophy-dystroglycanopathy (congenital with brain and eye anomalies), type A, 7; Autosomal recessive limb-girdle muscular dystrophy type 2U. Last evaluated: 2021-09-19. Review status: criteria provided, single submitter. Criteria: Invitae Variant Classification Sherloc (09022015). Collection method: clinical testing. Allele origin: germline.
Comment: This sequence change replaces arginine with histidine at codon 205 of the ISPD protein (p.Arg205His). The arginine residue is highly conserved and there is a small physicochemical difference between arginine and histidine. This variant is not present in population databases (ExAC no frequency). This missense change has been observed in individual(s) with Walker-Warburg syndrome (PMID: 24120487). In at least one individual the data is consistent with the variant being in trans (on the opposite chromosome) from a pathogenic variant. Algorithms developed to predict the effect of missense changes on protein structure and function (SIFT, PolyPhen-2, Align-GVGD) all suggest that this variant is likely to be disruptive. In summary, the available evidence is currently insufficient to determine the role of this variant in disease. Therefore, it has been classified as a Variant of Uncertain Significance.

GeneDx
Classification: Likely pathogenic. Last evaluated: 2021-06-08. Review status: criteria provided, single submitter. Criteria: GeneDx Variant Classification Process June 2021. Collection method: clinical testing. Allele origin: germline. Affected: yes.
Comment: Not observed at significant frequency in large population cohorts (Lek et al., 2016); In silico analysis supports that this missense variant has a deleterious effect on protein structure/function; This variant is associated with the following publications: (PMID: 27535533, 26687144, 24120487)

Literature cited by the submitters: PubMed 24120487 (cited by Labcorp Genetics (formerly Invitae), Labcorp).

NM_001101426.4(CRPPA):c.614G>A (p.Arg205His)

Gene: CRPPA (CDP-L-ribitol pyrophosphorylase A; minus strand). Cytogenetic location: 7p21.2.
Variant type: single nucleotide variant.
Coding change: c.614G>A on transcript NM_001101426.4 (MANE Select); coding-DNA position 614, G replaced by A.
Protein change: p.Arg205His; replaces arginine 205 with histidine.
Molecular consequence: missense variant. On other transcripts: non-coding transcript variant (1), intron variant (1).
Genome position (GRCh38, 1-based): chr7:16,376,162, C>T on the plus strand (G>A on the coding strand, the complement: CRPPA is on the minus strand). VCF-style: chr7-16376162-C-T. GRCh37 (hg19) VCF-style: chr7-16415787-C-T.
Other names: c.614G>A, p.Arg205His (NM_001368197.1); c.534+29899G>A (NM_001101417.4); short protein forms R205H.
Identifiers: ClinVar variation 582562 (VCV000582562.9), dbSNP rs566179705, ClinGen allele CA154760501.
Genomic context (GRCh38, chr7:16,376,162, plus strand): 5'-GCTTCATAAATCACATCAAATAGAAAAGCTTGGGGCATTTCACTTGCTCTGTGTCTGGCA[C>T]GTTCTAGCGAGTAGTCTAAGCAACCATCAGCAGATGGACTGACGACAGTAGATACAAGAG-3'
Protein context (NP_001094896.1, residues 195-215): ADGCLDYSLE[Arg205His]ARHRASEMPQ